The following is an entry in ClinVar:

NM_000702.4(ATP1A2):c.892G>A (p.Val298Ile)

Gene: ATP1A2 (ATPase Na+/K+ transporting subunit alpha 2; plus strand). Cytogenetic location: 1q23.2.
Variant type: single nucleotide variant.
Coding change: c.892G>A on transcript NM_000702.4 (MANE Select); coding-DNA position 892, G replaced by A.
Protein change: p.Val298Ile; replaces valine 298 with isoleucine.
Molecular consequence: missense variant.
Genome position (GRCh38, 1-based): chr1:160,127,695, G>A. VCF-style: chr1-160127695-G-A. GRCh37 (hg19) VCF-style: chr1-160097485-G-A.
Other names: short protein forms V298I.
Identifiers: ClinVar variation 5016851 (VCV005016851.1).

ClinVar aggregate classification (germline): Uncertain significance (1 of 4 stars; one submission).

Submission:

GeneDx
Classification: Uncertain significance. Last evaluated: 2026-03-28. Review status: criteria provided, single submitter. Criteria: GeneDx Variant Classification Process June 2021. Collection method: clinical testing. Allele origin: germline.
Comment: Not observed at significant frequency in large population cohorts (gnomAD); In silico analysis suggests that this missense variant does not alter protein structure/function; Has not been previously published as pathogenic or benign to our knowledge